The following is an entry in ClinVar:

NM_001130987.2(DYSF):c.3337C>T (p.Arg1113Cys)

Gene: DYSF (dysferlin; plus strand). Cytogenetic location: 2p13.2.
Variant type: single nucleotide variant.
Coding change: c.3337C>T on transcript NM_001130987.2 (MANE Select); coding-DNA position 3337, C replaced by T.
Protein change: p.Arg1113Cys; replaces arginine 1113 with cysteine.
Molecular consequence: missense variant.
Genome position (GRCh38, 1-based): chr2:71,574,306, C>T. VCF-style: chr2-71574306-C-T. GRCh37 (hg19) VCF-style: chr2-71801436-C-T.
Other names: c.3286C>T, p.Arg1096Cys (NM_001130455.2, NM_001130983.2); c.3241C>T, p.Arg1081Cys (NM_001130976.2, NM_001130977.2); c.3283C>T, p.Arg1095Cys (NM_001130978.2, NM_003494.4); c.3376C>T, p.Arg1126Cys (NM_001130979.2); c.3334C>T, p.Arg1112Cys (NM_001130980.2, NM_001130981.2); c.3379C>T, p.Arg1127Cys (NM_001130982.2); c.3244C>T, p.Arg1082Cys (NM_001130984.2, NM_001130986.2); c.3337C>T, p.Arg1113Cys (NM_001130985.2); short protein forms R1095C, R1113C, R1081C, R1082C, R1112C, R1126C, R1127C, R1096C.
Identifiers: ClinVar variation 167023 (VCV000167023.20), dbSNP rs141536854, ClinGen allele CA179989.

ClinVar aggregate classification (germline): Benign/Likely benign. Review status: criteria provided, multiple submitters, no conflicts (2 of 4 stars). 8 submissions from 8 submitters: Benign (6); Likely benign (1). 1 of the submissions does not count toward it. Last evaluated 2026-08-01.

Conditions:
Neuromuscular disease caused by qualitative or quantitative defects of dysferlin. Also called: Qualitative or quantitative defects of dysferlin; Dysferlinopathy. Identifiers: Orphanet 207073, MedGen C2931687, MONDO:0016145.
Autosomal recessive limb-girdle muscular dystrophy type 2B (LGMDR2). Also called: MUSCULAR DYSTROPHY, LIMB-GIRDLE, AUTOSOMAL RECESSIVE 2; Limb-Girdle Muscular Dystrophy Type 2B (LGMD2B); Limb-girdle muscular dystrophy, type 2B; MUSCULAR DYSTROPHY, LIMB-GIRDLE, TYPE 3. Identifiers: Orphanet 268, MedGen C1850889, MONDO:0009676, OMIM 253601.

Allele frequency attached by ClinVar (database versions not stated): gnomAD 0.00557 and 0.00601; ESP Exome Variant Server 0.00577; 1000 Genomes Project 0.00579; TOPMed 0.00620; ExAC 0.00185; 1000 Genomes Project 30x 0.00656.
gnomAD v4.1: 1,647 of 1,614,102 alleles (0.1%); highest among the groups gnomAD compares: African/African-American, 2%; 16 homozygotes.

Submissions (8):

CeGaT Center for Human Genetics Tuebingen
Classification: Benign. Last evaluated: 2026-08-01. Review status: criteria provided, single submitter. Criteria: CeGaT Center For Human Genetics Tuebingen Variant Classification Criteria Version 2. Collection method: clinical testing. Allele origin: germline. Affected: yes. Observed: 1 variant allele.
Comment: DYSF: BS1, BS2

Labcorp Genetics (formerly Invitae), Labcorp
Classification: Benign for Neuromuscular disease caused by qualitative or quantitative defects of dysferlin. Last evaluated: 2026-01-28. Review status: criteria provided, single submitter. Criteria: Invitae Variant Classification Sherloc (09022015). Collection method: clinical testing. Allele origin: germline.

Athena Diagnostics
Classification: Benign. Last evaluated: 2025-10-23. Review status: criteria provided, single submitter. Criteria: Athena Diagnostics Criteria. Collection method: clinical testing. Allele origin: unknown.
Comment: The frequency of this variant in the general population is higher than would generally be expected for pathogenic variants in this gene.

Mayo Clinic Laboratories, Mayo Clinic
Classification: Benign. Last evaluated: 2023-08-23. Review status: criteria provided, single submitter. Criteria: ACMG Guidelines, 2015. Collection method: clinical testing. Allele origin: germline. Observed: 5 variant alleles.

GeneDx
Classification: Benign. Last evaluated: 2016-12-08. Review status: criteria provided, single submitter. Criteria: GeneDx Variant Classification (06012015). Collection method: clinical testing. Allele origin: germline. Affected: yes.
Comment: This variant is considered likely benign or benign based on one or more of the following criteria: it is a conservative change, it occurs at a poorly conserved position in the protein, it is predicted to be benign by multiple in silico algorithms, and/or has population frequency not consistent with disease.

Eurofins Ntd Llc (ga)
Classification: Benign. Last evaluated: 2013-12-16. Review status: criteria provided, single submitter. Criteria: EGL Classification Definitions 2015. Collection method: clinical testing. Allele origin: germline. Observed: 1 variant allele, 1 heterozygote.

Breakthrough Genomics
Classification: Likely benign. Review status: criteria provided, single submitter. Criteria: ACMG Guidelines, 2015. Collection method: not provided. Allele origin: germline. Inheritance: Autosomal recessive inheritance. Affected: yes.

Natera, Inc.
Classification: Likely benign for Limb-girdle muscular dystrophy type 2B. Last evaluated: 2019-12-04. Review status: no assertion criteria provided. Collection method: clinical testing. Allele origin: germline. Not counted in ClinVar's aggregate classification.